The following is an entry in ClinVar:

NM_005732.4(RAD50):c.3646G>T (p.Ala1216Ser)

Genes: TH2LCRR (T helper type 2 locus control region associated RNA; minus strand), TH2-LCR (Th2 cytokine locus control region; plus strand), RAD50 (RAD50 double strand break repair protein; plus strand). Cytogenetic location: 5q31.1.
Variant type: single nucleotide variant.
Coding change: c.3646G>T on transcript NM_005732.4 (MANE Select); coding-DNA position 3646, G replaced by T.
Protein change: p.Ala1216Ser; replaces alanine 1216 with serine.
Molecular consequence: missense variant.
Genome position (GRCh38, 1-based): chr5:132,640,699, G>T. VCF-style: chr5-132640699-G-T. GRCh37 (hg19) VCF-style: chr5-131976391-G-T.
Other names: short protein forms A1216S.
Identifiers: ClinVar variation 3224979 (VCV003224979.1), dbSNP rs2149865582, ClinGen allele CA360933778.

ClinVar aggregate classification (germline): Uncertain significance (1 of 4 stars; one submission).

Conditions:
Hereditary cancer-predisposing syndrome. Also called: Neoplastic Syndromes, Hereditary; Tumor predisposition; Hereditary neoplastic syndrome; Hereditary Cancer Syndrome. Identifiers: Orphanet 140162, MedGen C0027672, MeSH D009386, MONDO:0015356.

Submission:

Ambry Genetics
Classification: Uncertain significance for Hereditary cancer-predisposing syndrome. Last evaluated: 2024-01-29. Review status: criteria provided, single submitter. Criteria: Ambry Variant Classification Scheme 2023. Collection method: clinical testing. Allele origin: germline.
Comment: The p.A1216S variant (also known as c.3646G>T), located in coding exon 24 of the RAD50 gene, results from a G to T substitution at nucleotide position 3646. The alanine at codon 1216 is replaced by serine, an amino acid with similar properties. This alteration was identified in a cohort of 481 Chinese breast cancer patients with family history of breast/ovarian cancer (Wang J et al. Cancer Med, 2019 May;8:2074-2084). This variant was also identified in a cohort of 882 Chinese individuals with a personal and/or family history of breast or ovarian cancers who underwent multi-gene panel testing for HBOC risk assessment (Shao D et al. Cancer Sci, 2020 Feb;111:647-657). This amino acid position is highly conserved in available vertebrate species. In addition, this alteration is predicted to be deleterious by in silico analysis. Based on the available evidence, the clinical significance of this alteration remains unclear.

Literature cited by the submitters: PubMed 30982232; PubMed 31742824.